The following is an entry in ClinVar:

NM_003413.4(ZIC3):c.508_514del (p.Ala170fs)

Gene: ZIC3 (Zic family zinc finger 3; plus strand). Cytogenetic location: Xq26.3.
Variant type: Deletion.
Coding change: c.508_514del on transcript NM_003413.4 (MANE Select); coding-DNA positions 508 to 514, 7 bases deleted (GCTGGGC; older notation c.508_514delGCTGGGC).
Protein change: p.Ala170fs; shifts the reading frame from alanine 170.
Molecular consequence: frameshift variant.
Genome position (GRCh38, 1-based): chrX:137,567,199-137,567,205, GCTGGGC deleted; deleting any 7 consecutive bases within chrX:137,567,195-137,567,205 gives the same sequence; the c. name uses the placement nearest the transcript's 3' end. VCF-style (leftmost placement, unchanged base first): chrX-137567194-AGGGCGCT-A. GRCh37 (hg19) VCF-style: chrX-136649353-AGGGCGCT-A.
Other names: c.508_514del, p.Ala170fs (NM_001330661.1); short protein forms A170fs.
Identifiers: ClinVar variation 951637 (VCV000951637.7), dbSNP rs1931360759, ClinGen allele CA1139667809.

ClinVar aggregate classification (germline): Pathogenic (1 of 4 stars; one submission).

Conditions:
Heterotaxy, visceral, 1, X-linked (HTX1). Also called: DEXTROCARDIA WITH OTHER CARDIAC MALFORMATIONS; Laterality, X-linked; Visceral heterotaxia; SITUS INVERSUS, COMPLEX CARDIAC DEFECTS, AND SPLENIC DEFECTS, X-LINKED. Identifiers: Orphanet 450, MedGen C1844020, MONDO:0010607, OMIM 306955.

Submission:

Labcorp Genetics (formerly Invitae), Labcorp
Classification: Pathogenic for Heterotaxy, visceral, 1, X-linked. Last evaluated: 2019-06-20. Review status: criteria provided, single submitter. Criteria: Invitae Variant Classification Sherloc (09022015). Collection method: clinical testing. Allele origin: germline.
Comment: For these reasons, this variant has been classified as Pathogenic. Loss-of-function variants in ZIC3 are known to be pathogenic (PMID: 24123890). This variant has not been reported in the literature in individuals with ZIC3-related conditions. This variant is not present in population databases (ExAC no frequency). This sequence change creates a premature translational stop signal (p.Ala170Thrfs*51) in the ZIC3 gene. It is expected to result in an absent or disrupted protein product.

Literature cited by the submitters: PubMed 24123890.